The following is an entry in ClinVar:

NM_021939.4(FKBP10):c.504C>T (p.Pro168=)

Gene: FKBP10 (FKBP prolyl isomerase 10; plus strand). Cytogenetic location: 17q21.2.
Variant type: single nucleotide variant.
Coding change: c.504C>T on transcript NM_021939.4 (MANE Select); coding-DNA position 504, C replaced by T.
Protein change: p.Pro168=; no amino-acid change (proline 168 retained).
Molecular consequence: synonymous variant.
Genome position (GRCh38, 1-based): chr17:41,818,201, C>T. VCF-style: chr17-41818201-C-T. GRCh37 (hg19) VCF-style: chr17-39974453-C-T.
Identifiers: ClinVar variation 196508 (VCV000196508.30), dbSNP rs113640022, ClinGen allele CA202414.

ClinVar aggregate classification (germline): Benign/Likely benign. Review status: criteria provided, multiple submitters, no conflicts (2 of 4 stars). 6 submissions from 6 submitters: Benign (3); Likely benign (3). Last evaluated 2026-01-27.

Conditions:
Osteogenesis imperfecta type 11. Also called: Osteogenesis imperfecta, type XI; OI, TYPE XI. Identifiers: Orphanet 666, MedGen C3151218, MONDO:0012592, OMIM 610968.

Allele frequency attached by ClinVar (database versions not stated): gnomAD exomes 0.00032 and 0.00070; ExAC 0.00092; 1000 Genomes Project 0.00180; 1000 Genomes Project 30x 0.00219; gnomAD 0.00321 and 0.00350; ESP Exome Variant Server 0.00338; TOPMed 0.00365.
gnomAD v4.1: 989 of 1,613,658 alleles (0.061%); highest among the groups gnomAD compares: African/African-American, 1.2%; 8 homozygotes.

Submissions (6):

Labcorp Genetics (formerly Invitae), Labcorp
Classification: Benign. Last evaluated: 2026-01-27. Review status: criteria provided, single submitter. Criteria: Invitae Variant Classification Sherloc (09022015). Collection method: clinical testing. Allele origin: germline.

Blueprint Genetics
Classification: Likely benign. Last evaluated: 2024-09-23. Review status: criteria provided, single submitter. Criteria: ACMG Guidelines, 2015. Collection method: clinical testing. Allele origin: germline.

GeneDx
Classification: Likely benign. Last evaluated: 2021-03-15. Review status: criteria provided, single submitter. Criteria: GeneDx Variant Classification Process June 2021. Collection method: clinical testing. Allele origin: germline. Affected: yes.

ARUP Laboratories, Molecular Genetics and Genomics, ARUP Laboratories
Classification: Benign. Last evaluated: 2019-11-08. Review status: criteria provided, single submitter. Criteria: ARUP Molecular Germline Variant Investigation Process. Collection method: clinical testing. Allele origin: germline.

Illumina Laboratory Services, Illumina
Classification: Likely benign for Osteogenesis imperfecta type 11. Last evaluated: 2018-01-13. Review status: criteria provided, single submitter. Criteria: ICSL Variant Classification Criteria 13 December 2019. Collection method: clinical testing. Allele origin: germline.
Comment: This variant was observed in the ICSL laboratory as part of a predisposition screen in an ostensibly healthy population. It had not been previously curated by ICSL or reported in the Human Gene Mutation Database (HGMD: prior to June 1st, 2018), and was therefore a candidate for classification through an automated scoring system. Utilizing variant allele frequency, disease prevalence and penetrance estimates, and inheritance mode, an automated score was calculated to assess if this variant is too frequent to cause the disease. Based on the score and internal cut-off values, a variant classified as likely benign is not then subjected to further curation. The score for this variant resulted in a classification of likely benign for this disease.

Eurofins Ntd Llc (ga)
Classification: Benign. Last evaluated: 2015-04-23. Review status: criteria provided, single submitter. Criteria: EGL Classification Definitions 2015. Collection method: clinical testing. Allele origin: germline. Observed: 1 variant allele, 1 heterozygote.